The following is an entry in ClinVar:

NM_024426.6(WT1):c.1188C>A (p.Phe396Leu)

Gene: WT1 (WT1 transcription factor; minus strand). Cytogenetic location: 11p13.
Variant type: single nucleotide variant.
Coding change: c.1188C>A on transcript NM_024426.6 (MANE Select); coding-DNA position 1188, C replaced by A.
Protein change: p.Phe396Leu; replaces phenylalanine 396 with leucine.
Molecular consequence: missense variant. On other transcripts: 5 prime UTR variant (1), non-coding transcript variant (2).
Genome position (GRCh38, 1-based): chr11:32,396,333, G>T on the plus strand (C>A on the coding strand, the complement: WT1 is on the minus strand). VCF-style: chr11-32396333-G-T. GRCh37 (hg19) VCF-style: chr11-32417879-G-T.
Other names: c.1137C>A, p.Phe379Leu (NM_000378.6, NM_001407045.1, NM_001407048.1 and 1 more transcripts); c.537C>A, p.Phe179Leu (NM_001198551.2); c.486C>A, p.Phe162Leu (NM_001198552.2); c.-1C>A (NM_001367854.1); c.1182C>A, p.Phe394Leu (NM_001407044.1); c.1188C>A, p.Phe396Leu (NM_001407046.1, NM_024424.5); c.1065C>A, p.Phe355Leu (NM_001407047.1); c.1014C>A, p.Phe338Leu (NM_001407050.1); and 2 more; short protein forms F162L, F379L, F179L, F396L, F374L, F355L, F391L, F394L.
Identifiers: ClinVar variation 1387836 (VCV001387836.7), dbSNP rs200539928, ClinGen allele CA379959938.
Genomic context (GRCh38, chr11:32,396,333, plus strand): 5'-GTGCATCTGTAAGTGGGACAGCTTAAAATATCTCTTATTGCAGCCTGGGTAAGCACACAT[G>T]AAGGGGCGTTTCTCACTGGTCTCAGATGCCGACCGTACAAGAGTCGGGGCTACTCCAGGC-3'
Protein context (NP_077744.4, residues 386-406): SASETSEKRP[Phe396Leu]MCAYPGCNKR

ClinVar aggregate classification (germline): Uncertain significance (1 of 4 stars; one submission).

Conditions:
Wilms tumor 1 (WT1). Also called: Wilms tumor, somatic. Identifiers: Orphanet 654, MedGen CN033288, MONDO:0008679, OMIM 194070.
11p partial monosomy syndrome (WAGR). Also called: WAGR Complex; WAGR Spectrum Disorder; CHROMOSOME 11p13 DELETION SYNDROME; WAGR syndrome. Identifiers: Orphanet 893, MedGen C0206115, MONDO:0008681, OMIM 194072.
Drash syndrome (DDS). Also called: NEPHROPATHY, WILMS TUMOR, AND GENITAL ANOMALIES; WILMS TUMOR AND PSEUDO- OR TRUE HERMAPHRODITISM. Identifiers: Orphanet 220, MedGen C0950121, MONDO:0008682, OMIM 194080.
Frasier syndrome. Identifiers: Orphanet 347, MedGen C0950122, MeSH D052159, MONDO:0007635, OMIM 136680.

Submission:

Labcorp Genetics (formerly Invitae), Labcorp
Classification: Uncertain significance for Wilms tumor 1; Drash syndrome; 11p partial monosomy syndrome; Frasier syndrome. Last evaluated: 2021-10-20. Review status: criteria provided, single submitter. Criteria: Invitae Variant Classification Sherloc (09022015). Collection method: clinical testing. Allele origin: germline.
Comment: This sequence change replaces phenylalanine with leucine at codon 391 of the WT1 protein (p.Phe391Leu). The phenylalanine residue is highly conserved and there is a small physicochemical difference between phenylalanine and leucine. This variant is not present in population databases (ExAC no frequency). This variant has not been reported in the literature in individuals affected with WT1-related conditions. Algorithms developed to predict the effect of missense changes on protein structure and function are either unavailable or do not agree on the potential impact of this missense change (SIFT: "Deleterious"; PolyPhen-2: "Probably Damaging"; Align-GVGD: "Class C15"). In summary, the available evidence is currently insufficient to determine the role of this variant in disease. Therefore, it has been classified as a Variant of Uncertain Significance.